The following is an entry in ClinVar:

ClinVar aggregate classification (germline): Uncertain significance (1 of 4 stars; one submission).

Submission:

GeneDx
Classification: Uncertain significance. Last evaluated: 2019-08-19. Review status: criteria provided, single submitter. Criteria: GeneDx Variant Classification Process June 2021. Collection method: clinical testing. Allele origin: germline. Affected: yes.
Comment: Not observed in large population cohorts (Lek et al., 2016); In silico analysis, which includes protein predictors and evolutionary conservation, supports that this variant does not alter protein structure/function; Has not been previously published as pathogenic or benign to our knowledge

NM_000059.4(BRCA2):c.9098C>G (p.Thr3033Ser)

Gene: BRCA2 (BRCA2 DNA repair associated; plus strand). Cytogenetic location: 13q13.1.
Variant type: single nucleotide variant.
Coding change: c.9098C>G on transcript NM_000059.4 (MANE Select); coding-DNA position 9098, C replaced by G.
Protein change: p.Thr3033Ser; replaces threonine 3033 with serine.
Molecular consequence: missense variant.
Genome position (GRCh38, 1-based): chr13:32,379,894, C>G. VCF-style: chr13-32379894-C-G. GRCh37 (hg19) VCF-style: chr13-32954031-C-G.
Other names: short protein forms T3033S.
Identifiers: ClinVar variation 1191556 (VCV001191556.2), dbSNP rs431825374, ClinGen allele CA387757682.